The following is an entry in ClinVar:

NM_001105206.3(LAMA4):c.1779T>G (p.His593Gln)

Gene: LAMA4 (laminin subunit alpha 4; minus strand). Cytogenetic location: 6q21.
Variant type: single nucleotide variant.
Coding change: c.1779T>G on transcript NM_001105206.3 (MANE Select); coding-DNA position 1779, T replaced by G.
Protein change: p.His593Gln; replaces histidine 593 with glutamine.
Molecular consequence: missense variant.
Genome position (GRCh38, 1-based): chr6:112,158,770, A>C on the plus strand (T>G on the coding strand, the complement: LAMA4 is on the minus strand). VCF-style: chr6-112158770-A-C. GRCh37 (hg19) VCF-style: chr6-112479972-A-C.
Other names: c.1758T>G, p.His586Gln (NM_001105207.3, NM_002290.5); short protein forms H586Q, H593Q.
Identifiers: ClinVar variation 3352272 (VCV003352272.2).
Genomic context (GRCh38, chr6:112,158,770, plus strand): 5'-ATTTCTAAAACCAGGATATTACCTGCTCAATTCATTAGCTTCTTGTTGAAGGTCCTGTGC[A>C]TGGTCAATAGCTTCTTGGACTAAATCATGGCTGAGGTTACTTAGGTTAGATAGTTTTACT-3'
Protein context (NP_001098676.2, residues 583-603): SHDLVQEAID[His593Gln]AQDLQQEANE

ClinVar aggregate classification (germline): Uncertain significance. Review status: criteria provided, single submitter (1 of 4 stars). 2 submissions from 2 submitters: Uncertain significance (1). 1 of the submissions does not count toward it. Last evaluated 2024-06-26.

Conditions:
Cardiovascular phenotype. Identifiers: MedGen CN230736.
LAMA4-related disorder. Also called: LAMA4-related condition.

Submissions (2):

Ambry Genetics
Classification: Uncertain significance for Cardiovascular phenotype. Last evaluated: 2024-06-26. Review status: criteria provided, single submitter. Criteria: Ambry Variant Classification Scheme 2023. Collection method: clinical testing. Allele origin: germline.
Comment: The p.H586Q variant (also known as c.1758T>G), located in coding exon 13 of the LAMA4 gene, results from a T to G substitution at nucleotide position 1758. The histidine at codon 586 is replaced by glutamine, an amino acid with highly similar properties. This amino acid position is conserved. In addition, this alteration is predicted to be tolerated by in silico analysis. Based on the available evidence, the clinical significance of this variant remains unclear.

PreventionGenetics, part of Exact Sciences
Classification: Uncertain significance for LAMA4-related condition. Last evaluated: 2024-07-30. Review status: no assertion criteria provided. Collection method: clinical testing. Allele origin: germline. Not counted in ClinVar's aggregate classification.
Comment: The LAMA4 c.1758T>G variant is predicted to result in the amino acid substitution p.His586Gln. To our knowledge, this variant has not been reported in the literature. This variant is reported in 0.0029% of alleles in individuals of Latino descent in gnomAD. At this time, the clinical significance of this variant is uncertain due to the absence of conclusive functional and genetic evidence.